The following is an entry in ClinVar:

NM_006766.5(KAT6A):c.4000G>A (p.Glu1334Lys)

Gene: KAT6A (lysine acetyltransferase 6A; minus strand). Cytogenetic location: 8p11.21.
Variant type: single nucleotide variant.
Coding change: c.4000G>A on transcript NM_006766.5 (MANE Select); coding-DNA position 4000, G replaced by A.
Protein change: p.Glu1334Lys; replaces glutamic acid 1334 with lysine.
Molecular consequence: missense variant.
Genome position (GRCh38, 1-based): chr8:41,934,220, C>T on the plus strand (G>A on the coding strand, the complement: KAT6A is on the minus strand). VCF-style: chr8-41934220-C-T. GRCh37 (hg19) VCF-style: chr8-41791738-C-T.
Other names: c.4000G>A (NM_006766.3); short protein forms E1334K.
Identifiers: ClinVar variation 3771793 (VCV003771793.13).

ClinVar aggregate classification (germline): Conflicting classifications of pathogenicity. Review status: criteria provided, conflicting classifications (1 of 4 stars). 2 submissions from 2 submitters: Uncertain significance (1); Likely benign (1). Last evaluated 2025-04-11.

Conditions:
Inborn genetic diseases. Identifiers: MedGen C0950123, MeSH D030342.

gnomAD v4.1: 6 of 1,614,150 alleles (0.00037%); highest among the groups gnomAD compares: Middle Eastern, 0.033%; no homozygotes.

Submissions (2):

Ambry Genetics
Classification: Uncertain significance for Inborn genetic diseases. Last evaluated: 2025-04-11. Review status: criteria provided, single submitter. Criteria: Ambry Variant Classification Scheme 2023. Collection method: clinical testing. Allele origin: germline.

CeGaT Center for Human Genetics Tuebingen
Classification: Likely benign. Last evaluated: 2025-02-01. Review status: criteria provided, single submitter. Criteria: CeGaT Center For Human Genetics Tuebingen Variant Classification Criteria Version 2. Collection method: clinical testing. Allele origin: germline. Affected: yes. Observed: 1 variant allele.
Comment: KAT6A: BP4